The following is an entry in ClinVar:

ClinVar aggregate classification (germline): Likely pathogenic (1 of 4 stars; one submission).

Submission:

CeGaT Center for Human Genetics Tuebingen
Classification: Likely pathogenic. Last evaluated: 2022-11-01. Review status: criteria provided, single submitter. Criteria: CeGaT Center For Human Genetics Tuebingen Variant Classification Criteria Version 2. Collection method: clinical testing. Allele origin: germline. Affected: yes. Observed: 1 variant allele.
Comment: ADNP: PVS1:Strong, PM2

NM_001282531.3(ADNP):c.2568del (p.Asn857fs)

Gene: ADNP (activity dependent neuroprotector homeobox; minus strand). Cytogenetic location: 20q13.13.
Variant type: Deletion.
Coding change: c.2568del on transcript NM_001282531.3 (MANE Select); coding-DNA position 2568, one base deleted (C; older notation c.2568delC).
Protein change: p.Asn857fs; shifts the reading frame from asparagine 857.
Molecular consequence: frameshift variant.
Genome position (GRCh38, 1-based): chr20:50,892,146, G deleted on the plus strand (C on the coding strand, the reverse complement: ADNP is on the minus strand). VCF-style (leftmost placement, unchanged base first): chr20-50892145-TG-T. GRCh37 (hg19) VCF-style: chr20-49508682-TG-T.
Other names: c.2568del, p.Asn857fs (NM_001282532.2, NM_001347511.2, NM_015339.5 and 1 more transcripts); short protein forms N857fs.
Identifiers: ClinVar variation 1879535 (VCV001879535.29), dbSNP rs2535299208, ClinGen allele CA2580098303.